The following is an entry in ClinVar:

NM_182961.4(SYNE1):c.18573+194G>A

Gene: SYNE1 (spectrin repeat containing nuclear envelope protein 1; minus strand). Cytogenetic location: 6q25.2.
Variant type: single nucleotide variant.
Coding change: c.18573+194G>A on transcript NM_182961.4 (MANE Select); 194 bases into the intron after coding-DNA position 18573, G replaced by A.
Molecular consequence: intron variant.
Genome position (GRCh38, 1-based): chr6:152,277,895, C>T on the plus strand (G>A on the coding strand, the complement: SYNE1 is on the minus strand). VCF-style: chr6-152277895-C-T. GRCh37 (hg19) VCF-style: chr6-152599030-C-T.
Other names: c.18360+194G>A (NM_033071.5).
Identifiers: ClinVar variation 672633 (VCV000672633.1), dbSNP rs7765088, ClinGen allele CA150179339.
Genomic context (GRCh38, chr6:152,277,895, plus strand): 5'-CATGTCAGAGTGCTTTTTGCCTCCACCACTCCGCTGAACAGCTGTTGTTAGTAGTCCTAA[C>T]AAAATCTATTTGCAAATGTTTGCCAAAGTCCAAGAGTGTAAACTTAAAGCTGCATGCTAA-3'

ClinVar aggregate classification (germline): Benign (1 of 4 stars; one submission).

Allele frequency attached by ClinVar (database versions not stated): gnomAD 0.03596; TOPMed 0.04315; 1000 Genomes Project 0.04513; 1000 Genomes Project 30x 0.04763.
gnomAD v4.1: 8,530 of 699,548 alleles (1.2%); highest among the groups gnomAD compares: African/African-American, 13%; 524 homozygotes.

Submission:

GeneDx
Classification: Benign. Last evaluated: 2018-06-18. Review status: criteria provided, single submitter. Criteria: GeneDx Variant Classification (06012015). Collection method: clinical testing. Allele origin: germline. Affected: yes.
Comment: This variant is considered likely benign or benign based on one or more of the following criteria: it is a conservative change, it occurs at a poorly conserved position in the protein, it is predicted to be benign by multiple in silico algorithms, and/or has population frequency not consistent with disease.